The following is an entry in ClinVar:

ClinVar aggregate classification (germline): Uncertain significance. Review status: criteria provided, multiple submitters, no conflicts (2 of 4 stars). 3 submissions from 3 submitters: Uncertain significance (3). Last evaluated 2025-11-11.

Conditions:
Inborn genetic diseases. Identifiers: MedGen C0950123, MeSH D030342.
Complement factor b deficiency. Identifiers: MedGen C3809950, MONDO:0014255, OMIM 615561.
Atypical hemolytic-uremic syndrome with B factor anomaly. Also called: HEMOLYTIC UREMIC SYNDROME, ATYPICAL, SUSCEPTIBILITY TO, 4; AHUS, SUSCEPTIBILITY TO, 4. Identifiers: Orphanet 2134, MedGen C2752038, MONDO:0013042, OMIM 612924.

Allele frequency attached by ClinVar (database versions not stated): gnomAD exomes 0.00001; ExAC 0.00003; TOPMed 0.00010; gnomAD 0.00012; ESP Exome Variant Server 0.00024.
gnomAD v4.1: 28 of 1,613,072 alleles (0.0017%); highest among the groups gnomAD compares: African/African-American, 0.036%; no homozygotes.

Submissions (3):

Clinical Genomics Laboratory, Washington University in St. Louis
Classification: Uncertain significance for Atypical hemolytic-uremic syndrome with B factor anomaly; Complement factor b deficiency. Last evaluated: 2025-11-11. Review status: criteria provided, single submitter. Criteria: ACMG Guidelines, 2015. Collection method: clinical testing. Allele origin: germline.
Comment: The CFB c.97C>G (p.Pro33Ala) variant, to our knowledge, has not been reported in the medical literature but has been reported in the ClinVar database as a germline variant of uncertain significance by two submitters (ClinVar ID: 1940636). It is observed on 28/1,613,072 alleles in the general population (gnomAD v4.1.0). Computational predictors suggest that the variant does not impact CFB function. Due to limited information, and based on ACMG/AMP guidelines for variant interpretation (Richards S et al., PMID: 25741868), the clinical significance of this variant is uncertain at this time.

Labcorp Genetics (formerly Invitae), Labcorp
Classification: Uncertain significance. Last evaluated: 2024-11-04. Review status: criteria provided, single submitter. Criteria: Invitae Variant Classification Sherloc (09022015). Collection method: clinical testing. Allele origin: germline.
Comment: This sequence change replaces proline, which is neutral and non-polar, with alanine, which is neutral and non-polar, at codon 33 of the CFB protein (p.Pro33Ala). This variant is present in population databases (rs367892230, gnomAD 0.04%). This variant has not been reported in the literature in individuals affected with CFB-related conditions. ClinVar contains an entry for this variant (Variation ID: 1940636). Invitae Evidence Modeling of protein sequence and biophysical properties (such as structural, functional, and spatial information, amino acid conservation, physicochemical variation, residue mobility, and thermodynamic stability) indicates that this missense variant is not expected to disrupt CFB protein function with a negative predictive value of 80%. In summary, the available evidence is currently insufficient to determine the role of this variant in disease. Therefore, it has been classified as a Variant of Uncertain Significance.

Ambry Genetics
Classification: Uncertain significance for Inborn genetic diseases. Last evaluated: 2024-09-27. Review status: criteria provided, single submitter. Criteria: Ambry Variant Classification Scheme 2023. Collection method: clinical testing. Allele origin: germline.

Literature cited by the submitters: uncertain (cited by Clinical Genomics Laboratory, Washington University in St. Louis).

NM_001710.6(CFB):c.97C>G (p.Pro33Ala)

Gene: CFB (complement factor B; plus strand). Cytogenetic location: 6p21.33.
Variant type: single nucleotide variant.
Coding change: c.97C>G on transcript NM_001710.6 (MANE Select); coding-DNA position 97, C replaced by G.
Protein change: p.Pro33Ala; replaces proline 33 with alanine.
Molecular consequence: missense variant.
Genome position (GRCh38, 1-based): chr6:31,946,405, C>G. VCF-style: chr6-31946405-C-G. GRCh37 (hg19) VCF-style: chr6-31914182-C-G.
Other names: short protein forms P33A.
Identifiers: ClinVar variation 1940636 (VCV001940636.7), dbSNP rs367892230, ClinGen allele CA3727951.